The following is an entry in ClinVar:

ClinVar aggregate classification (germline): Uncertain significance (1 of 4 stars; one submission).

Conditions:
Werner syndrome (WRN). Identifiers: Orphanet 902, MedGen C0043119, MONDO:0010196, OMIM 277700.

Allele frequency attached by ClinVar (database versions not stated): gnomAD exomes below 0.00001 and 0.00001; TOPMed below 0.00001; gnomAD 0.00001.
gnomAD v4.1: 6 of 1,614,206 alleles (0.00037%); highest among the groups gnomAD compares: South Asian, 0.0055%; no homozygotes.

Submission:

Labcorp Genetics (formerly Invitae), Labcorp
Classification: Uncertain significance for Werner syndrome. Last evaluated: 2021-04-17. Review status: criteria provided, single submitter. Criteria: Invitae Variant Classification Sherloc (09022015). Collection method: clinical testing. Allele origin: germline.
Comment: This variant is not present in population databases (ExAC no frequency). This sequence change replaces histidine with arginine at codon 1052 of the WRN protein (p.His1052Arg). The histidine residue is weakly conserved and there is a small physicochemical difference between histidine and arginine. In summary, the available evidence is currently insufficient to determine the role of this variant in disease. Therefore, it has been classified as a Variant of Uncertain Significance. Algorithms developed to predict the effect of missense changes on protein structure and function (SIFT, PolyPhen-2, Align-GVGD) all suggest that this variant is likely to be tolerated, but these predictions have not been confirmed by published functional studies and their clinical significance is uncertain. This variant has not been reported in the literature in individuals with WRN-related conditions.

NM_000553.6(WRN):c.3155A>G (p.His1052Arg)

Gene: WRN (WRN RecQ like helicase; plus strand). Cytogenetic location: 8p12.
Variant type: single nucleotide variant.
Coding change: c.3155A>G on transcript NM_000553.6 (MANE Select); coding-DNA position 3155, A replaced by G.
Protein change: p.His1052Arg; replaces histidine 1052 with arginine.
Molecular consequence: missense variant.
Genome position (GRCh38, 1-based): chr8:31,141,697, A>G. VCF-style: chr8-31141697-A-G. GRCh37 (hg19) VCF-style: chr8-30999213-A-G.
Other names: short protein forms H1052R.
Identifiers: ClinVar variation 845918 (VCV000845918.5), dbSNP rs1394772553, ClinGen allele CA370922957.